The following is an entry in ClinVar:

NM_001127222.2(CACNA1A):c.1973T>A (p.Met658Lys)

Gene: CACNA1A (calcium voltage-gated channel subunit alpha1 A; minus strand). Cytogenetic location: 19p13.13.
Variant type: single nucleotide variant.
Coding change: c.1973T>A on transcript NM_001127222.2 (MANE Select); coding-DNA position 1973, T replaced by A.
Protein change: p.Met658Lys; replaces methionine 658 with lysine.
Molecular consequence: missense variant.
Genome position (GRCh38, 1-based): chr19:13,307,795, A>T on the plus strand (T>A on the coding strand, the complement: CACNA1A is on the minus strand). VCF-style: chr19-13307795-A-T. GRCh37 (hg19) VCF-style: chr19-13418609-A-T.
Other names: c.1976T>A, p.Met659Lys (NM_000068.4, NM_001127221.2, NM_001174080.2 and 1 more transcripts); short protein forms M658K, M659K.
Identifiers: ClinVar variation 1351321 (VCV001351321.6), dbSNP rs2145002206, ClinGen allele CA404344563.

ClinVar aggregate classification (germline): Uncertain significance (1 of 4 stars; one submission).

Conditions:
Episodic ataxia type 2 (EA2). Also called: ATAXIA, EPISODIC, WITH NYSTAGMUS; ATAXIA, FAMILIAL PAROXYSMAL; CEREBELLAR ATAXIA, PAROXYSMAL, ACETAZOLAMIDE-RESPONSIVE; CEREBELLOPATHY, HEREDITARY PAROXYSMAL; EPISODIC ATAXIA, NYSTAGMUS-ASSOCIATED; ACETAZOLAMIDE-RESPONSIVE HEREDITARY PAROXYSMAL CEREBELLAR ATAXIA. Identifiers: Orphanet 97, MedGen C1720416, MONDO:0007163, OMIM 108500.
Developmental and epileptic encephalopathy, 42 (DEE42A). Also called: DEVELOPMENTAL AND EPILEPTIC ENCEPHALOPATHY 42A; EPILEPTIC ENCEPHALOPATHY, EARLY INFANTILE, 42A; Epileptic encephalopathy, early infantile, 42. Identifiers: MedGen C4310716, MONDO:0014917, OMIM 617106.

Submission:

Labcorp Genetics (formerly Invitae), Labcorp
Classification: Uncertain significance for Developmental and epileptic encephalopathy, 42; Episodic ataxia type 2. Last evaluated: 2022-06-05. Review status: criteria provided, single submitter. Criteria: Invitae Variant Classification Sherloc (09022015). Collection method: clinical testing. Allele origin: germline.
Comment: In summary, the available evidence is currently insufficient to determine the role of this variant in disease. Therefore, it has been classified as a Variant of Uncertain Significance. Advanced modeling of protein sequence and biophysical properties (such as structural, functional, and spatial information, amino acid conservation, physicochemical variation, residue mobility, and thermodynamic stability) performed at Invitae indicates that this missense variant is expected to disrupt CACNA1A protein function. ClinVar contains an entry for this variant (Variation ID: 1351321). This variant has not been reported in the literature in individuals affected with CACNA1A-related conditions. This variant is not present in population databases (gnomAD no frequency). This sequence change replaces methionine, which is neutral and non-polar, with lysine, which is basic and polar, at codon 659 of the CACNA1A protein (p.Met659Lys).